The following is an entry in ClinVar:

ClinVar aggregate classification (germline): Uncertain significance (1 of 4 stars; one submission).

Conditions:
Inborn genetic diseases. Identifiers: MedGen C0950123, MeSH D030342.

gnomAD v4.1: 1 of 1,613,304 alleles (0.000062%); highest among the groups gnomAD compares: East Asian, 0.0022%; no homozygotes.

Submission:

Ambry Genetics
Classification: Uncertain significance for Inborn genetic diseases. Last evaluated: 2025-01-30. Review status: criteria provided, single submitter. Criteria: Ambry Variant Classification Scheme 2023. Collection method: clinical testing. Allele origin: germline.
Comment: The p.S221N variant (also known as c.662G>A), located in coding exon 4 of the KDM1A gene, results from a G to A substitution at nucleotide position 662. The serine at codon 221 is replaced by asparagine, an amino acid with highly similar properties. This amino acid position is conserved. In addition, this alteration is predicted to be tolerated by in silico analysis. Based on the available evidence, the clinical significance of this variant remains unclear.

NM_001009999.3(KDM1A):c.662G>A (p.Ser221Asn)

Gene: KDM1A (lysine demethylase 1A; plus strand). Cytogenetic location: 1p36.12.
Variant type: single nucleotide variant.
Coding change: c.662G>A on transcript NM_001009999.3 (MANE Select); coding-DNA position 662, G replaced by A.
Protein change: p.Ser221Asn; replaces serine 221 with asparagine.
Molecular consequence: missense variant.
Genome position (GRCh38, 1-based): chr1:23,050,471, G>A. VCF-style: chr1-23050471-G-A. GRCh37 (hg19) VCF-style: chr1-23376964-G-A.
Other names: c.602G>A, p.Ser201Asn (NM_001363654.2, NM_001410763.1, NM_015013.4); c.662G>A, p.Ser221Asn (NM_001410762.1); short protein forms S201N, S221N.
Identifiers: ClinVar variation 3863296 (VCV003863296.1).